The following is an entry in ClinVar:

NM_019597.5(HNRNPH2):c.634A>G (p.Arg212Gly)

Genes: HNRNPH2 (heterogeneous nuclear ribonucleoprotein H2; plus strand), RPL36A-HNRNPH2 (RPL36A-HNRNPH2 readthrough; plus strand). Cytogenetic location: Xq22.1.
Variant type: single nucleotide variant.
Coding change: c.634A>G on transcript NM_019597.5 (MANE Select); coding-DNA position 634, A replaced by G.
Protein change: p.Arg212Gly; replaces arginine 212 with glycine.
Molecular consequence: missense variant. On other transcripts: 3 prime UTR variant (2).
Genome position (GRCh38, 1-based): chrX:101,412,622, A>G. VCF-style: chrX-101412622-A-G. GRCh37 (hg19) VCF-style: chrX-100667610-A-G.
Other names: c.*630A>G (NM_001199973.2, NM_001199974.2); c.634A>G, p.Arg212Gly (NM_001032393.3); short protein forms R212G.
Identifiers: ClinVar variation 4076608 (VCV004076608.1).

ClinVar aggregate classification (germline): Pathogenic (1 of 4 stars; one submission).

Submission:

GeneDx
Classification: Pathogenic. Last evaluated: 2025-02-21. Review status: criteria provided, single submitter. Criteria: GeneDx Variant Classification Process June 2021. Collection method: clinical testing. Allele origin: germline. Affected: yes.
Comment: Not observed at significant frequency in large population cohorts (gnomAD); In silico analysis supports that this missense variant has a deleterious effect on protein structure/function; This variant is associated with the following publications: (PMID: 37463454, 34490615, 33728377)